The following is an entry in ClinVar:

ClinVar aggregate classification (germline): Likely benign. Review status: criteria provided, multiple submitters, no conflicts (2 of 4 stars). 2 submissions from 2 submitters: Likely benign (2). Last evaluated 2025-10-05.

Conditions:
Papillary renal cell carcinoma type 1 (RCCP1). Also called: RENAL CELL CARCINOMA, PAPILLARY, 1, SOMATIC; Renal adenocarcinoma; Renal cell carcinoma 1; Renal cell carcinoma, somatic. Identifiers: Orphanet 47044, MedGen C1336839, OMIM 605074, HP:0011797.
Renal cell carcinoma. Identifiers: Orphanet 217071, MedGen C0007134, MeSH D002292, MONDO:0005086, HP:0005584.

Allele frequency attached by ClinVar (database versions not stated): TOPMed below 0.00001; gnomAD exomes 0.00001.
gnomAD v4.1: 5 of 1,613,982 alleles (0.00031%); highest among the groups gnomAD compares: Non-Finnish European, 0.00042%; no homozygotes.

Submissions (2):

Labcorp Genetics (formerly Invitae), Labcorp
Classification: Likely benign for Renal cell carcinoma. Last evaluated: 2025-10-05. Review status: criteria provided, single submitter. Criteria: Invitae Variant Classification Sherloc (09022015). Collection method: clinical testing. Allele origin: germline.

Myriad Genetics, Inc.
Classification: Likely benign for Papillary renal cell carcinoma type 1. Last evaluated: 2024-11-07. Review status: criteria provided, single submitter. Criteria: Myriad Autosomal Dominant, Autosomal Recessive and X-Linked Classification Criteria (2023). Collection method: clinical testing. Allele origin: unknown.
Comment: This variant is considered likely benign. This variant is intronic and is not expected to impact mRNA splicing.

NM_000245.4(MET):c.1702-11T>C

Gene: MET (MET proto-oncogene, receptor tyrosine kinase; plus strand). Cytogenetic location: 7q31.2.
Variant type: single nucleotide variant.
Coding change: c.1702-11T>C on transcript NM_000245.4 (MANE Select); 11 bases into the intron before coding-DNA position 1702, T replaced by C.
Molecular consequence: intron variant.
Genome position (GRCh38, 1-based): chr7:116,755,344, T>C. VCF-style: chr7-116755344-T-C. GRCh37 (hg19) VCF-style: chr7-116395398-T-C.
Other names: c.1702-11T>C (NM_001127500.3, NM_001324401.3); c.412-11T>C (NM_001324402.2).
Identifiers: ClinVar variation 2176897 (VCV002176897.5), dbSNP rs1260859495, ClinGen allele CA577680643.